The following is an entry in ClinVar:

ClinVar aggregate classification (germline): Uncertain significance (1 of 4 stars; one submission).

Conditions:
Fanconi anemia (FA). Also called: Fanconi's anemia. Identifiers: Orphanet 84, MedGen C0015625, MeSH D005199, MONDO:0019391.

Allele frequency attached by ClinVar (database versions not stated): gnomAD exomes below 0.00001.
gnomAD v4.1: 1 of 1,614,134 alleles (0.000062%); highest among the groups gnomAD compares: Non-Finnish European, 0.000085%; no homozygotes.

Submission:

Labcorp Genetics (formerly Invitae), Labcorp
Classification: Uncertain significance for Fanconi anemia. Last evaluated: 2021-08-14. Review status: criteria provided, single submitter. Criteria: Invitae Variant Classification Sherloc (09022015). Collection method: clinical testing. Allele origin: germline.
Comment: This sequence change replaces phenylalanine with valine at codon 419 of the FANCA protein (p.Phe419Val). The phenylalanine residue is highly conserved and there is a small physicochemical difference between phenylalanine and valine. This variant is not present in population databases (ExAC no frequency). This variant has been observed in individual(s) with malignant pleural mesothelioma (PMID: 28687356). Advanced modeling of protein sequence and biophysical properties (such as structural, functional, and spatial information, amino acid conservation, physicochemical variation, residue mobility, and thermodynamic stability) performed at Invitae indicates that this missense variant is expected to disrupt FANCA protein function. In summary, the available evidence is currently insufficient to determine the role of this variant in disease. Therefore, it has been classified as a Variant of Uncertain Significance.

Literature cited by the submitters: PubMed 28687356.

NM_000135.4(FANCA):c.1255T>G (p.Phe419Val)

Gene: FANCA (FA complementation group A; minus strand). Cytogenetic location: 16q24.3.
Variant type: single nucleotide variant.
Coding change: c.1255T>G on transcript NM_000135.4 (MANE Select); coding-DNA position 1255, T replaced by G.
Protein change: p.Phe419Val; replaces phenylalanine 419 with valine.
Molecular consequence: missense variant.
Genome position (GRCh38, 1-based): chr16:89,791,507, A>C on the plus strand (T>G on the coding strand, the complement: FANCA is on the minus strand). VCF-style: chr16-89791507-A-C. GRCh37 (hg19) VCF-style: chr16-89857915-A-C.
Other names: c.1255T>G, p.Phe419Val (NM_001286167.3); short protein forms F419V.
Identifiers: ClinVar variation 1450850 (VCV001450850.5), dbSNP rs2143526434, ClinGen allele CA397464402.